The following is an entry in ClinVar:

NM_001040716.2(PC):c.3199G>A (p.Asp1067Asn)

Gene: PC (pyruvate carboxylase; minus strand). Cytogenetic location: 11q13.2.
Variant type: single nucleotide variant.
Coding change: c.3199G>A on transcript NM_001040716.2 (MANE Select); coding-DNA position 3199, G replaced by A.
Protein change: p.Asp1067Asn; replaces aspartic acid 1067 with asparagine.
Molecular consequence: missense variant.
Genome position (GRCh38, 1-based): chr11:66,849,319, C>T on the plus strand (G>A on the coding strand, the complement: PC is on the minus strand). VCF-style: chr11-66849319-C-T. GRCh37 (hg19) VCF-style: chr11-66616790-C-T.
Other names: c.3199G>A, p.Asp1067Asn (NM_000920.4, NM_022172.3); c.3199G>A (NM_000920.3); short protein forms D1067N.
Identifiers: ClinVar variation 2196765 (VCV002196765.2), dbSNP rs527559823, ClinGen allele CA6130862.

ClinVar aggregate classification (germline): Uncertain significance. Review status: criteria provided, multiple submitters, no conflicts (2 of 4 stars). 2 submissions from 2 submitters: Uncertain significance (2). Last evaluated 2024-04-04.

Conditions:
Inborn genetic diseases. Identifiers: MedGen C0950123, MeSH D030342.
Pyruvate carboxylase deficiency. Also called: LEIGH NECROTIZING ENCEPHALOPATHY DUE TO PYRUVATE CARBOXYLASE DEFICIENCY; LEIGH SYNDROME DUE TO PYRUVATE CARBOXYLASE DEFICIENCY; PC DEFICIENCY; ATAXIA WITH LACTIC ACIDOSIS II; Pyruvate Carboxylase Deficiency Disease. Identifiers: Orphanet 3008, MedGen C0034341, MONDO:0009949, OMIM 266150.

Allele frequency attached by ClinVar (database versions not stated): ExAC 0.00001; 1000 Genomes Project 30x 0.00016; 1000 Genomes Project 0.00020.
gnomAD v4.1: 11 of 1,613,560 alleles (0.00068%); highest among the groups gnomAD compares: Admixed American, 0.0033%; no homozygotes.

Submissions (2):

Ambry Genetics
Classification: Uncertain significance for Inborn genetic diseases. Last evaluated: 2024-04-04. Review status: criteria provided, single submitter. Criteria: Ambry Variant Classification Scheme 2023. Collection method: clinical testing. Allele origin: germline.

Labcorp Genetics (formerly Invitae), Labcorp
Classification: Uncertain significance for Pyruvate carboxylase deficiency. Last evaluated: 2022-06-13. Review status: criteria provided, single submitter. Criteria: Invitae Variant Classification Sherloc (09022015). Collection method: clinical testing. Allele origin: germline.
Comment: This sequence change replaces aspartic acid, which is acidic and polar, with asparagine, which is neutral and polar, at codon 1067 of the PC protein (p.Asp1067Asn). This variant is present in population databases (rs527559823, gnomAD 0.003%). This variant has not been reported in the literature in individuals affected with PC-related conditions. Algorithms developed to predict the effect of missense changes on protein structure and function (SIFT, PolyPhen-2, Align-GVGD) all suggest that this variant is likely to be tolerated. In summary, the available evidence is currently insufficient to determine the role of this variant in disease. Therefore, it has been classified as a Variant of Uncertain Significance.